The following is an entry in ClinVar:

ClinVar aggregate classification (germline): Conflicting classifications of pathogenicity. Review status: criteria provided, conflicting classifications (1 of 4 stars). 4 submissions from 4 submitters: Uncertain significance (1); Likely benign (2). 1 of the submissions does not count toward it. Last evaluated 2026-01-27.

Conditions:
TBC1D8B-related disorder. Also called: TBC1D8B-related condition.

Allele frequency attached by ClinVar (database versions not stated): 1000 Genomes Project 30x 0.00021; 1000 Genomes Project 0.00026; gnomAD 0.00034; TOPMed 0.00038; gnomAD exomes 0.00041; ExAC 0.00042; ESP Exome Variant Server 0.00066.
gnomAD v4.1: 491 of 1,208,545 alleles (0.041%); highest among the groups gnomAD compares: Non-Finnish European, 0.049%; no homozygotes.

Submissions (4):

Labcorp Genetics (formerly Invitae), Labcorp
Classification: Likely benign. Last evaluated: 2026-01-27. Review status: criteria provided, single submitter. Criteria: Invitae Variant Classification Sherloc (09022015). Collection method: clinical testing. Allele origin: germline.

Mayo Clinic Laboratories, Mayo Clinic
Classification: Likely benign. Last evaluated: 2025-05-16. Review status: criteria provided, single submitter. Criteria: ACMG Guidelines, 2015. Collection method: clinical testing. Allele origin: germline. Observed: 1 variant allele.
Comment: BS1, BP4_moderate

Ambry Genetics
Classification: Uncertain significance. Last evaluated: 2025-02-05. Review status: criteria provided, single submitter. Criteria: Ambry Variant Classification Scheme 2023. Collection method: clinical testing. Allele origin: germline.

PreventionGenetics, part of Exact Sciences
Classification: Likely benign for TBC1D8B-related condition. Last evaluated: 2020-03-01. Review status: no assertion criteria provided. Collection method: clinical testing. Allele origin: germline. Not counted in ClinVar's aggregate classification.
Comment: This variant is classified as likely benign based on ACMG/AMP sequence variant interpretation guidelines (Richards et al. 2015 PMID: 25741868, with internal and published modifications).

NM_017752.3(TBC1D8B):c.742G>T (p.Ala248Ser)

Gene: TBC1D8B (TBC1 domain family member 8B; plus strand). Cytogenetic location: Xq22.3.
Variant type: single nucleotide variant.
Coding change: c.742G>T on transcript NM_017752.3 (MANE Select); coding-DNA position 742, G replaced by T.
Protein change: p.Ala248Ser; replaces alanine 248 with serine.
Molecular consequence: missense variant.
Genome position (GRCh38, 1-based): chrX:106,823,381, G>T. VCF-style: chrX-106823381-G-T. GRCh37 (hg19) VCF-style: chrX-106066611-G-T.
Other names: p.Ala248Ser; c.742G>T, p.Ala248Ser (NM_198881.2); c.742G>T (NM_017752.2); short protein forms A248S.
Identifiers: ClinVar variation 2159259 (VCV002159259.9), dbSNP rs140106583, ClinGen allele CA10483004.